The following is an entry in ClinVar:

ClinVar aggregate classification (germline): Likely benign. Review status: criteria provided, multiple submitters, no conflicts (2 of 4 stars). 2 submissions from 2 submitters: Likely benign (2). Last evaluated 2026-03-27.

gnomAD v4.1: 3 of 1,544,070 alleles (0.00019%); highest among the groups gnomAD compares: East Asian, 0.0022%; no homozygotes.

Submissions (2):

Molecular Diagnostic Laboratory for Inherited Cardiovascular Disease, Montreal Heart Institute
Classification: Likely benign. Last evaluated: 2026-03-27. Review status: criteria provided, single submitter. Criteria: ACMG Guidelines, 2015. Collection method: clinical testing. Allele origin: germline. Affected: no.
Comment: BP7

Blueprint Genetics
Classification: Likely benign. Last evaluated: 2023-09-09. Review status: criteria provided, single submitter. Criteria: ACMG Guidelines, 2015. Collection method: clinical testing. Allele origin: germline.

NM_198060.4(NRAP):c.357T>C (p.Asn119=)

Gene: NRAP (nebulin related anchoring protein; minus strand). Cytogenetic location: 10q25.3.
Variant type: single nucleotide variant.
Coding change: c.357T>C on transcript NM_198060.4 (MANE Select); coding-DNA position 357, T replaced by C.
Protein change: p.Asn119=; no amino-acid change (asparagine 119 retained).
Molecular consequence: synonymous variant.
Genome position (GRCh38, 1-based): chr10:113,657,473, A>G on the plus strand (T>C on the coding strand, the complement: NRAP is on the minus strand). VCF-style: chr10-113657473-A-G. GRCh37 (hg19) VCF-style: chr10-115417232-A-G.
Other names: c.357T>C, p.Asn119= (NM_001261463.2, NM_001322945.2, NM_006175.5).
Identifiers: ClinVar variation 4820460 (VCV004820460.2), dbSNP rs368991050.